The following is an entry in ClinVar:

NM_177438.3(DICER1):c.556T>C (p.Tyr186His)

Gene: DICER1 (dicer 1, ribonuclease III; minus strand). Cytogenetic location: 14q32.13.
Variant type: single nucleotide variant.
Coding change: c.556T>C on transcript NM_177438.3 (MANE Select); coding-DNA position 556, T replaced by C.
Protein change: p.Tyr186His; replaces tyrosine 186 with histidine.
Molecular consequence: missense variant.
Genome position (GRCh38, 1-based): chr14:95,130,075, A>G on the plus strand (T>C on the coding strand, the complement: DICER1 is on the minus strand). VCF-style: chr14-95130075-A-G. GRCh37 (hg19) VCF-style: chr14-95596412-A-G.
Other names: c.556T>C, p.Tyr186His (NM_001195573.1, NM_001271282.3, NM_001291628.2 and 1 more transcripts); short protein forms Y186H.
Identifiers: ClinVar variation 1349859 (VCV001349859.9), dbSNP rs2140266203, ClinGen allele CA390888362.

ClinVar aggregate classification (germline): Uncertain significance (1 of 4 stars; one submission).

Conditions:
DICER1-related tumor predisposition. Also called: DICER1 syndrome; DICER1-related pleuropulmonary blastoma cancer predisposition syndrome. Identifiers: Orphanet 284343, MedGen C3839822, MONDO:0100216.

Submission:

Labcorp Genetics (formerly Invitae), Labcorp
Classification: Uncertain significance for DICER1-related tumor predisposition. Last evaluated: 2021-05-18. Review status: criteria provided, single submitter. Criteria: Invitae Variant Classification Sherloc (09022015). Collection method: clinical testing. Allele origin: germline.
Comment: In summary, the available evidence is currently insufficient to determine the role of this variant in disease. Therefore, it has been classified as a Variant of Uncertain Significance. Algorithms developed to predict the effect of missense changes on protein structure and function (SIFT, PolyPhen-2, Align-GVGD) all suggest that this variant is likely to be disruptive, but these predictions have not been confirmed by published functional studies and their clinical significance is uncertain. This variant has not been reported in the literature in individuals with DICER1-related conditions. This variant is not present in population databases (ExAC no frequency). This sequence change replaces tyrosine with histidine at codon 186 of the DICER1 protein (p.Tyr186His). The tyrosine residue is highly conserved and there is a moderate physicochemical difference between tyrosine and histidine.